The following is an entry in ClinVar:

ClinVar aggregate classification (germline): Uncertain significance (1 of 4 stars; one submission).

gnomAD v4.1: 1 of 1,614,196 alleles (0.000062%); highest among the groups gnomAD compares: African/African-American, 0.0013%; no homozygotes.

Submission:

GeneDx
Classification: Uncertain significance. Last evaluated: 2024-11-19. Review status: criteria provided, single submitter. Criteria: GeneDx Variant Classification Process June 2021. Collection method: clinical testing. Allele origin: germline. Affected: yes.
Comment: Not observed at significant frequency in large population cohorts (gnomAD); In silico analysis supports that this missense variant has a deleterious effect on protein structure/function; Has not been previously published as pathogenic or benign to our knowledge

NM_182760.4(SUMF1):c.1000T>C (p.Tyr334His)

Gene: SUMF1 (sulfatase modifying factor 1; minus strand). Cytogenetic location: 3p26.1.
Variant type: single nucleotide variant.
Coding change: c.1000T>C on transcript NM_182760.4 (MANE Select); coding-DNA position 1000, T replaced by C.
Protein change: p.Tyr334His; replaces tyrosine 334 with histidine.
Molecular consequence: missense variant. On other transcripts: intron variant (1).
Genome position (GRCh38, 1-based): chr3:4,376,344, A>G on the plus strand (T>C on the coding strand, the complement: SUMF1 is on the minus strand). VCF-style: chr3-4376344-A-G. GRCh37 (hg19) VCF-style: chr3-4418028-A-G.
Other names: c.925T>C, p.Tyr309His (NM_001164674.2); c.955-14090T>C (NM_001164675.2); short protein forms Y309H, Y334H.
Identifiers: ClinVar variation 3899448 (VCV003899448.1).